The following is an entry in ClinVar:

NM_004104.5(FASN):c.6787C>T (p.Arg2263Trp)

Gene: FASN (fatty acid synthase; minus strand). Cytogenetic location: 17q25.3.
Variant type: single nucleotide variant.
Coding change: c.6787C>T on transcript NM_004104.5 (MANE Select); coding-DNA position 6787, C replaced by T.
Protein change: p.Arg2263Trp; replaces arginine 2263 with tryptophan.
Molecular consequence: missense variant.
Genome position (GRCh38, 1-based): chr17:82,080,731, G>A on the plus strand (C>T on the coding strand, the complement: FASN is on the minus strand). VCF-style: chr17-82080731-G-A. GRCh37 (hg19) VCF-style: chr17-80038607-G-A.
Other names: short protein forms R2263W.
Identifiers: ClinVar variation 2919290 (VCV002919290.3), dbSNP rs370171552, ClinGen allele CA8851196.

ClinVar aggregate classification (germline): Uncertain significance (1 of 4 stars; one submission).

Conditions:
Epileptic encephalopathy. Identifiers: MedGen C0543888, HP:0200134.

Allele frequency attached by ClinVar (database versions not stated): gnomAD exomes below 0.00001; gnomAD 0.00001; TOPMed 0.00002; ExAC 0.00005; ESP Exome Variant Server 0.00008.
gnomAD v4.1: 5 of 1,602,022 alleles (0.00031%); highest among the groups gnomAD compares: South Asian, 0.0011%; no homozygotes.

Submission:

Labcorp Genetics (formerly Invitae), Labcorp
Classification: Uncertain significance for Epileptic encephalopathy. Last evaluated: 2023-07-13. Review status: criteria provided, single submitter. Criteria: Invitae Variant Classification Sherloc (09022015). Collection method: clinical testing. Allele origin: germline.
Comment: In summary, the available evidence is currently insufficient to determine the role of this variant in disease. Therefore, it has been classified as a Variant of Uncertain Significance. An algorithm developed to predict the effect of missense changes on protein structure and function (PolyPhen-2) suggests that this variant is likely to be disruptive. This variant has not been reported in the literature in individuals affected with FASN-related conditions. The frequency data for this variant in the population databases is considered unreliable, as metrics indicate poor data quality at this position in the gnomAD database. This sequence change replaces arginine, which is basic and polar, with tryptophan, which is neutral and slightly polar, at codon 2263 of the FASN protein (p.Arg2263Trp).